The following is an entry in ClinVar:

NM_006565.4(CTCF):c.1133C>T (p.Pro378Leu)

Gene: CTCF (CCCTC-binding factor; plus strand). Cytogenetic location: 16q22.1.
Variant type: single nucleotide variant.
Coding change: c.1133C>T on transcript NM_006565.4 (MANE Select); coding-DNA position 1133, C replaced by T.
Protein change: p.Pro378Leu; replaces proline 378 with leucine.
Molecular consequence: missense variant.
Genome position (GRCh38, 1-based): chr16:67,620,743, C>T. VCF-style: chr16-67620743-C-T. GRCh37 (hg19) VCF-style: chr16-67654646-C-T.
Other names: c.149C>T, p.Pro50Leu (NM_001191022.2); c.1133C>T, p.Pro378Leu (NM_001363916.2); short protein forms P378L, P50L.
Identifiers: ClinVar variation 1325781 (VCV001325781.8), dbSNP rs2142847512, ClinGen allele CA396314803.
Genomic context (GRCh38, chr16:67,620,743, plus strand): 5'-TTTTCGTATTTCAGGTCAGCAAATTAAAACGTCACATTCGCTCTCATACTGGAGAGCGTC[C>T]GTTTCAGTGCAGTTTGTGCAGTTATGCCAGCAGGGACACATACAAGCTGAAAAGGCACAT-3'
Protein context (NP_006556.1, residues 368-388): RHIRSHTGER[Pro378Leu]FQCSLCSYAS

ClinVar aggregate classification (germline): Pathogenic/Likely pathogenic. Review status: criteria provided, multiple submitters, no conflicts (2 of 4 stars). 4 submissions from 4 submitters: Pathogenic (3); Likely pathogenic (1). Last evaluated 2024-09-20.

Conditions:
Inborn genetic diseases. Identifiers: MedGen C0950123, MeSH D030342.
CTCF-related neurodevelopmental disorder. Also called: INTELLECTUAL DEVELOPMENTAL DISORDER, AUTOSOMAL DOMINANT 21; Intellectual disability-feeding difficulties-developmental delay-microcephaly syndrome. Identifiers: Orphanet 363611, MedGen C3809686, MONDO:0014213, OMIM 615502.

Allele frequency attached by ClinVar (database versions not stated): gnomAD exomes below 0.00001.
gnomAD v4.1: 3 of 1,600,548 alleles (0.00019%); highest among the groups gnomAD compares: Non-Finnish European, 0.00026%; no homozygotes.

Submissions (4):

Victorian Clinical Genetics Services, Murdoch Childrens Research Institute
Classification: Pathogenic for CTCF-related neurodevelopmental disorder. Last evaluated: 2024-09-20. Review status: criteria provided, single submitter. Criteria: ACMG Guidelines, 2015. Collection method: clinical testing. Allele origin: germline. Inheritance: Autosomal dominant inheritance. Affected: yes.
Comment: Based on the classification scheme VCGS_Germline_v1.3.4, this variant is classified as Pathogenic. Following criteria are met: 0102 - Loss of function is a known mechanism of disease in this gene and is associated with intellectual developmental disorder, autosomal dominant 21 (MIM#615502). (I) 0107 - This gene is associated with autosomal dominant disease. (I) 0200 - Variant is predicted to result in a missense amino acid change from proline to leucine. (I) 0251 - This variant is heterozygous. (I) 0301 - Variant is absent from gnomAD (both v2 and v3). (SP) 0502 - Missense variant with conflicting in silico predictions and uninformative conservation. (I) 0603 - Missense variant in a region that is highly intolerant to missense variation (high constraint region in DECIPHER). (SP) 0705 - No comparable missense variants have previous evidence for pathogenicity. (I) 0801 - This variant has strong previous evidence of pathogenicity in unrelated individuals. This variant has been classified as pathogenic by clinical laboratories in ClinVar, and has been observed as de novo in two individuals with neurodevelopmental disorders (DECIPHER, PMID: 31239556). (SP) 1208 - Inheritance information for this variant is not currently available in this individual. (I) Legend: (SP) - Supporting pathogenic, (I) - Information, (SB) - Supporting benign

Ambry Genetics
Classification: Pathogenic for Inborn genetic diseases. Last evaluated: 2022-08-29. Review status: criteria provided, single submitter. Criteria: Ambry Variant Classification Scheme 2023. Collection method: clinical testing. Allele origin: germline.
Comment: The c.1133C>T (p.P378L) alteration is located in exon 6 (coding exon 4) of the CTCF gene. This alteration results from a C to T substitution at nucleotide position 1133, causing the proline (P) at amino acid position 378 to be replaced by a leucine (L). This variant was not reported in population-based cohorts in the Genome Aggregation Database (gnomAD). This variant has been reported as a de novo mutation in multiple individuals with CTCF-related developmental disorder (Turner, 2019; Konrad, 2019). This amino acid position is highly conserved in available vertebrate species. This missense alteration is located in a region that has a low rate of benign missense variation (Lek, 2016; Firth, 2009). The in silico prediction for this alteration is inconclusive. Based on the available evidence, this alteration is classified as pathogenic.

Institute of Human Genetics, University of Leipzig Medical Center
Classification: Pathogenic for CTCF-related neurodevelopmental disorder. Last evaluated: 2019-12-21. Review status: criteria provided, single submitter. Criteria: ACMG Guidelines, 2015. Collection method: clinical testing. Allele origin: de novo.

Juno Genomics, Hangzhou Juno Genomics, Inc
Classification: Likely pathogenic for CTCF-related neurodevelopmental disorder. Review status: criteria provided, single submitter. Criteria: ACMG Guidelines, 2015. Collection method: clinical testing. Allele origin: germline. Affected: yes.
Comment: Absent from controls (or at extremely low frequency if recessive) in Genome Aggregation Database, Exome Sequencing Project, 1000 Genomes Project, or Exome Aggregation Consortium.;Missense variant in a gene that has a low rate of benign missense variation and where missense variants are a common mechanism of disease.;Located in a mutational hot spot and/or critical and well-established functional domain (e.g. active site of an enzyme) without benign variation.;The prevalence of the variant in affected individuals is significantly increased compared to the prevalence in controls.;De novo (both maternity and paternity confirmed) in a patient with the disease and no family history.

Literature cited by the submitters: PubMed 31239556 (cited by 3 submitters); PubMed 25533962 (cited by Ambry Genetics); PubMed 31785789 (cited by Ambry Genetics).